The following is an entry in ClinVar:

NM_001127222.2(CACNA1A):c.3565G>A (p.Ala1189Thr)

Gene: CACNA1A (calcium voltage-gated channel subunit alpha1 A; minus strand). Cytogenetic location: 19p13.13.
Variant type: single nucleotide variant.
Coding change: c.3565G>A on transcript NM_001127222.2 (MANE Select); coding-DNA position 3565, G replaced by A.
Protein change: p.Ala1189Thr; replaces alanine 1189 with threonine.
Molecular consequence: missense variant.
Genome position (GRCh38, 1-based): chr19:13,285,195, C>T on the plus strand (G>A on the coding strand, the complement: CACNA1A is on the minus strand). VCF-style: chr19-13285195-C-T. GRCh37 (hg19) VCF-style: chr19-13396009-C-T.
Other names: c.3577G>A, p.Ala1193Thr (NM_000068.4, NM_023035.3); c.3568G>A, p.Ala1190Thr (NM_001127221.2, NM_001174080.2); short protein forms A1189T, A1190T, A1193T.
Identifiers: ClinVar variation 1023362 (VCV001023362.9), dbSNP rs1034876149, ClinGen allele CA305563269.

ClinVar aggregate classification (germline): Uncertain significance (1 of 4 stars; one submission).

Conditions:
Developmental and epileptic encephalopathy, 42 (DEE42A). Also called: DEVELOPMENTAL AND EPILEPTIC ENCEPHALOPATHY 42A; EPILEPTIC ENCEPHALOPATHY, EARLY INFANTILE, 42A; Epileptic encephalopathy, early infantile, 42. Identifiers: MedGen C4310716, MONDO:0014917, OMIM 617106.
Episodic ataxia type 2 (EA2). Also called: ACETAZOLAMIDE-RESPONSIVE HEREDITARY PAROXYSMAL CEREBELLAR ATAXIA; EPISODIC ATAXIA, NYSTAGMUS-ASSOCIATED; ATAXIA, EPISODIC, WITH NYSTAGMUS; ATAXIA, FAMILIAL PAROXYSMAL; CEREBELLAR ATAXIA, PAROXYSMAL, ACETAZOLAMIDE-RESPONSIVE; CEREBELLOPATHY, HEREDITARY PAROXYSMAL. Identifiers: Orphanet 97, MedGen C1720416, MONDO:0007163, OMIM 108500.

Allele frequency attached by ClinVar (database versions not stated): TOPMed 0.00001.
gnomAD v4.1: 5 of 1,613,806 alleles (0.00031%); highest among the groups gnomAD compares: East Asian, 0.0022%; no homozygotes.

Submission:

Labcorp Genetics (formerly Invitae), Labcorp
Classification: Uncertain significance for Developmental and epileptic encephalopathy, 42; Episodic ataxia type 2. Last evaluated: 2025-02-20. Review status: criteria provided, single submitter. Criteria: Invitae Variant Classification Sherloc (09022015). Collection method: clinical testing. Allele origin: germline.
Comment: This sequence change replaces alanine, which is neutral and non-polar, with threonine, which is neutral and polar, at codon 1190 of the CACNA1A protein (p.Ala1190Thr). This variant is not present in population databases (gnomAD no frequency). This variant has not been reported in the literature in individuals affected with CACNA1A-related conditions. ClinVar contains an entry for this variant (Variation ID: 1023362). Invitae Evidence Modeling of protein sequence and biophysical properties (such as structural, functional, and spatial information, amino acid conservation, physicochemical variation, residue mobility, and thermodynamic stability) indicates that this missense variant is not expected to disrupt CACNA1A protein function with a negative predictive value of 95%. In summary, the available evidence is currently insufficient to determine the role of this variant in disease. Therefore, it has been classified as a Variant of Uncertain Significance.